The following is an entry in ClinVar:

NM_001184900.3(CARD8):c.1256C>A (p.Thr419Asn)

Gene: CARD8 (caspase recruitment domain family member 8; minus strand). Cytogenetic location: 19q13.33.
Variant type: single nucleotide variant.
Coding change: c.1256C>A on transcript NM_001184900.3 (MANE Select); coding-DNA position 1256, C replaced by A.
Protein change: p.Thr419Asn; replaces threonine 419 with asparagine.
Molecular consequence: missense variant. On other transcripts: non-coding transcript variant (2), intron variant (7).
Genome position (GRCh38, 1-based): chr19:48,218,918, G>T on the plus strand (C>A on the coding strand, the complement: CARD8 is on the minus strand). VCF-style: chr19-48218918-G-T. GRCh37 (hg19) VCF-style: chr19-48722175-G-T.
Other names: c.1106C>A, p.Thr369Asn (NM_001184901.1, NM_001351783.2, NM_014959.5); c.1256C>A, p.Thr419Asn (NM_001351782.2); c.941C>A, p.Thr314Asn (NM_001351784.2, NM_001351787.2); c.920C>A, p.Thr307Asn (NM_001351786.2); c.938C>A, p.Thr313Asn (NM_001365950.1); c.846+2812C>A (NM_001351791.2, NM_001351792.2); c.1011+2812C>A (NM_001351788.2, NM_001351789.2); c.918+2812C>A (NM_001351790.2); and 1 more; short protein forms T313N, T419N, T314N, T369N, T307N.
Identifiers: ClinVar variation 2092801 (VCV002092801.4), dbSNP rs2514100292, ClinGen allele CA406664674.
Genomic context (GRCh38, chr19:48,218,918, plus strand): 5'-CCCACTCACCTACCTGGCTTCACCTCAGTATCCCACACCAAAGTCCCATGTCTTTTTTCA[G>T]TAATCTCAAGTTGAATGGGTTCCTTCATCTGCCCAGCATAGAATTTTGAGAAGTGCTGAA-3'
Protein context (NP_001171829.1, residues 409-429): QMKEPIQLEI[Thr419Asn]EKRHGTLVWD

ClinVar aggregate classification (germline): Uncertain significance (1 of 4 stars; one submission).

Submission:

Labcorp Genetics (formerly Invitae), Labcorp
Classification: Uncertain significance. Last evaluated: 2023-05-20. Review status: criteria provided, single submitter. Criteria: Invitae Variant Classification Sherloc (09022015). Collection method: clinical testing. Allele origin: germline.
Comment: In summary, the available evidence is currently insufficient to determine the role of this variant in disease. Therefore, it has been classified as a Variant of Uncertain Significance. An algorithm developed to predict the effect of missense changes on protein structure and function (PolyPhen-2) suggests that this variant is likely to be disruptive. ClinVar contains an entry for this variant (Variation ID: 2092801). This variant has not been reported in the literature in individuals affected with CARD8-related conditions. This variant is not present in population databases (gnomAD no frequency). This sequence change replaces threonine, which is neutral and polar, with asparagine, which is neutral and polar, at codon 369 of the CARD8 protein (p.Thr369Asn).